The following is an entry in ClinVar:

NM_001042492.3(NF1):c.7190-8T>G

Gene: NF1 (neurofibromin 1; plus strand). Cytogenetic location: 17q11.2.
Variant type: single nucleotide variant.
Coding change: c.7190-8T>G on transcript NM_001042492.3 (MANE Select); 8 bases into the intron before coding-DNA position 7190, T replaced by G.
Molecular consequence: intron variant.
Genome position (GRCh38, 1-based): chr17:31,349,112, T>G. VCF-style: chr17-31349112-T-G. GRCh37 (hg19) VCF-style: chr17-29676130-T-G.
Other names: c.7127-8T>G (NM_000267.4).
Identifiers: ClinVar variation 1161706 (VCV001161706.25), dbSNP rs2070072794, ClinGen allele CA2255607683.

ClinVar aggregate classification (germline): Conflicting classifications of pathogenicity. Review status: criteria provided, conflicting classifications (1 of 4 stars). 2 submissions from 2 submitters: Uncertain significance (1); Likely benign (1). Last evaluated 2024-01-01.

Conditions:
Neurofibromatosis, type 1 (NF1). Also called: Peripheral type neurofibromatosis; NEUROFIBROMATOSIS, TYPE I, SOMATIC; Neurofibromatosis, type I; VON RECKLINGHAUSEN DISEASE. Identifiers: Orphanet 636, MedGen C0027831, MONDO:0018975, OMIM 162200. Disease mechanism: loss of function.

Submissions (2):

CeGaT Center for Human Genetics Tuebingen
Classification: Uncertain significance. Last evaluated: 2024-01-01. Review status: criteria provided, single submitter. Criteria: CeGaT Center For Human Genetics Tuebingen Variant Classification Criteria Version 2. Collection method: clinical testing. Allele origin: germline. Affected: yes. Observed: 1 variant allele.
Comment: NF1: PM2, BP4

Labcorp Genetics (formerly Invitae), Labcorp
Classification: Likely benign for Neurofibromatosis, type 1. Last evaluated: 2019-02-24. Review status: criteria provided, single submitter. Criteria: Invitae Variant Classification Sherloc (09022015). Collection method: clinical testing. Allele origin: germline.